The following is an entry in ClinVar:

ClinVar aggregate classification (germline): Uncertain significance (1 of 4 stars; one submission).

Conditions:
Familial Mediterranean fever (FMF). Also called: POLYSEROSITIS, FAMILIAL PAROXYSMAL; POLYSEROSITIS, RECURRENT; Periodic peritonitis; Benign paroxysmal peritonitis. Identifiers: Orphanet 342, MedGen C0031069, MONDO:0018088, OMIM 249100. Disease mechanism: gain of function.

Submission:

Labcorp Genetics (formerly Invitae), Labcorp
Classification: Uncertain significance for Familial Mediterranean fever. Last evaluated: 2022-05-20. Review status: criteria provided, single submitter. Criteria: Invitae Variant Classification Sherloc (09022015). Collection method: clinical testing. Allele origin: germline.
Comment: This variant is a gross deletion of the genomic region encompassing exon(s) 7-10 of the MEFV gene, which includes the termination codon. This deletion extends beyond the assayed region for this gene and therefore may encompass additional genes. While this deletion is not anticipated to lead to nonsense mediated decay, it is expected to alter mRNA translation or result in a truncated protein product. This variant has not been reported in the literature in individuals affected with MEFV-related conditions. In summary, the available evidence is currently insufficient to determine the role of this variant in disease. Therefore, it has been classified as a Variant of Uncertain Significance.

NC_000016.9:g.(?_3293141)_(3294608_?)del

Gene: MEFV (MEFV innate immunity regulator, pyrin; minus strand). Cytogenetic location: 16p13.3.
Variant type: Deletion.
Identifiers: ClinVar variation 2422625 (VCV002422625.3).